The following is an entry in ClinVar:

NM_004706.4(ARHGEF1):c.631G>A (p.Asp211Asn)

Gene: ARHGEF1 (Rho guanine nucleotide exchange factor 1; plus strand). Cytogenetic location: 19q13.2.
Variant type: single nucleotide variant.
Coding change: c.631G>A on transcript NM_004706.4 (MANE Select); coding-DNA position 631, G replaced by A.
Protein change: p.Asp211Asn; replaces aspartic acid 211 with asparagine.
Molecular consequence: missense variant.
Genome position (GRCh38, 1-based): chr19:41,893,290, G>A. VCF-style: chr19-41893290-G-A. GRCh37 (hg19) VCF-style: chr19-42397361-G-A.
Other names: c.532G>A, p.Asp178Asn (NM_198977.2); c.676G>A, p.Asp226Asn (NM_199002.2); c.676G>A (NM_199002.1); short protein forms D178N, D211N, D226N.
Identifiers: ClinVar variation 1476805 (VCV001476805.10), dbSNP rs781883939, ClinGen allele CA9465981.
Genomic context (GRCh38, chr19:41,893,290, plus strand): 5'-CAGGCCTAGCAAATATGTCACAAACATCTCTCTTCCTCCTACAGACATACCATCTCTACC[G>A]ACGAAGAAAAGAGGTGAGGGGGGCAGGGGAGGCGTGCGGCCTCCTGGGTTTGAGGGAGGA-3'
Protein context (NP_004697.2, residues 201-221): LEEMQHTIST[Asp211Asn]EEKSAAVVNA

ClinVar aggregate classification (germline): Uncertain significance. Review status: criteria provided, multiple submitters, no conflicts (2 of 4 stars). 2 submissions from 2 submitters: Uncertain significance (2). Last evaluated 2025-08-29.

Allele frequency attached by ClinVar (database versions not stated): gnomAD 0.00001; TOPMed 0.00001.
gnomAD v4.1: 43 of 1,610,320 alleles (0.0027%); highest among the groups gnomAD compares: South Asian, 0.027%; no homozygotes.

Submissions (2):

Ambry Genetics
Classification: Uncertain significance. Last evaluated: 2025-08-29. Review status: criteria provided, single submitter. Criteria: Ambry Variant Classification Scheme 2023. Collection method: clinical testing. Allele origin: germline.

Labcorp Genetics (formerly Invitae), Labcorp
Classification: Uncertain significance. Last evaluated: 2024-11-25. Review status: criteria provided, single submitter. Criteria: Invitae Variant Classification Sherloc (09022015). Collection method: clinical testing. Allele origin: germline.
Comment: This sequence change replaces aspartic acid, which is acidic and polar, with asparagine, which is neutral and polar, at codon 226 of the ARHGEF1 protein (p.Asp226Asn). This variant is present in population databases (rs781883939, gnomAD 0.01%). This variant has not been reported in the literature in individuals affected with ARHGEF1-related conditions. ClinVar contains an entry for this variant (Variation ID: 1476805). An algorithm developed to predict the effect of missense changes on protein structure and function (PolyPhen-2) suggests that this variant is likely to be disruptive. In summary, the available evidence is currently insufficient to determine the role of this variant in disease. Therefore, it has been classified as a Variant of Uncertain Significance.